The following is an entry in ClinVar:

NM_005857.5(ZMPSTE24):c.*1240A>G

Gene: ZMPSTE24 (zinc metallopeptidase STE24; plus strand). Cytogenetic location: 1p34.2.
Variant type: single nucleotide variant.
Coding change: c.*1240A>G on transcript NM_005857.5 (MANE Select); 1240 bases downstream of the stop codon, A replaced by G.
Molecular consequence: 3 prime UTR variant.
Genome position (GRCh38, 1-based): chr1:40,293,909, A>G. VCF-style: chr1-40293909-A-G. GRCh37 (hg19) VCF-style: chr1-40759581-A-G.
Identifiers: ClinVar variation 877069 (VCV000877069.4), dbSNP rs181730348, ClinGen allele CA21040173.

ClinVar aggregate classification (germline): Likely benign. Review status: criteria provided, single submitter (1 of 4 stars). 2 submissions from 1 submitter: Likely benign (2). Last evaluated 2018-01-12.

Conditions:
Mandibuloacral dysplasia with type B lipodystrophy (MADB). Also called: LIPODYSTROPHY, TYPE B, ASSOCIATED WITH MANDIBULOACRAL DYSPLASIA. Identifiers: Orphanet 2457, Orphanet 90154, MedGen C1837756, MONDO:0012074, OMIM 608612.
Lethal tight skin contracture syndrome. Also called: RESTRICTIVE DERMOPATHY, LETHAL; Restrictive dermopathy; FETAL HYPOKINESIA SEQUENCE DUE TO RESTRICTIVE DERMOPATHY; HYPERKERATOSIS-CONTRACTURE SYNDROME. Identifiers: Orphanet 1662, MedGen C0406585, MONDO:0031213.

Allele frequency attached by ClinVar (database versions not stated): 1000 Genomes Project 0.00080; 1000 Genomes Project 30x 0.00094; gnomAD 0.00135 and 0.00140; TOPMed 0.00148.

Submissions (2):

Illumina Laboratory Services, Illumina
Classification: Likely benign for Restrictive dermopathy 1. Last evaluated: 2018-01-12. Review status: criteria provided, single submitter. Criteria: ICSL Variant Classification Criteria 13 December 2019. Collection method: clinical testing. Allele origin: germline.
Comment: This variant was observed in the ICSL laboratory as part of a predisposition screen in an ostensibly healthy population. It had not been previously curated by ICSL or reported in the Human Gene Mutation Database (HGMD: prior to June 1st, 2018), and was therefore a candidate for classification through an automated scoring system. Utilizing variant allele frequency, disease prevalence and penetrance estimates, and inheritance mode, an automated score was calculated to assess if this variant is too frequent to cause the disease. Based on the score and internal cut-off values, a variant classified as likely benign is not then subjected to further curation. The score for this variant resulted in a classification of likely benign for this disease.

Illumina Laboratory Services, Illumina
Classification: Likely benign for Mandibuloacral dysplasia with type B lipodystrophy. Last evaluated: 2018-01-12. Review status: criteria provided, single submitter. Criteria: ICSL Variant Classification Criteria 13 December 2019. Collection method: clinical testing. Allele origin: germline.
Comment: the same text as in the submission from Illumina Laboratory Services, Illumina above.